The following is an entry in ClinVar:

NM_001330288.2(SMARCC2):c.2932C>T (p.Arg978Trp)

Gene: SMARCC2 (SWI/SNF related, matrix associated, actin dependent regulator of chromatin subfamily c member 2; minus strand). Cytogenetic location: 12q13.2.
Variant type: single nucleotide variant.
Coding change: c.2932C>T on transcript NM_001330288.2 (MANE Select); coding-DNA position 2932, C replaced by T.
Protein change: p.Arg978Trp; replaces arginine 978 with tryptophan.
Molecular consequence: missense variant.
Genome position (GRCh38, 1-based): chr12:56,165,618, G>A on the plus strand (C>T on the coding strand, the complement: SMARCC2 is on the minus strand). VCF-style: chr12-56165618-G-A. GRCh37 (hg19) VCF-style: chr12-56559402-G-A.
Other names: c.2932C>T, p.Arg978Trp (NM_001130420.3, NM_139067.4); c.2839C>T, p.Arg947Trp (NM_003075.5); short protein forms R947W, R978W.
Identifiers: ClinVar variation 1321824 (VCV001321824.2), dbSNP rs1213379694, ClinGen allele CA385339923.

ClinVar aggregate classification (germline): Uncertain significance (1 of 4 stars; one submission).

Allele frequency attached by ClinVar (database versions not stated): gnomAD exomes below 0.00001.
gnomAD v4.1: 2 of 1,613,672 alleles (0.00012%); highest among the groups gnomAD compares: Admixed American, 0.0017%; no homozygotes.

Submission:

GeneDx
Classification: Uncertain significance. Last evaluated: 2021-11-10. Review status: criteria provided, single submitter. Criteria: GeneDx Variant Classification Process June 2021. Collection method: clinical testing. Allele origin: germline. Affected: yes.
Comment: In silico analysis, which includes protein predictors and evolutionary conservation, supports a deleterious effect; Has not been previously published as pathogenic or benign to our knowledge